The following is an entry in ClinVar:

NM_001283009.2(RTEL1):c.1331C>G (p.Thr444Ser)

Genes: RTEL1-TNFRSF6B (RTEL1-TNFRSF6B readthrough (NMD candidate); plus strand), RTEL1 (regulator of telomere elongation helicase 1; plus strand). Cytogenetic location: 20q13.33.
Variant type: single nucleotide variant.
Coding change: c.1331C>G on transcript NM_001283009.2 (MANE Select); coding-DNA position 1331, C replaced by G.
Protein change: p.Thr444Ser; replaces threonine 444 with serine.
Molecular consequence: missense variant. On other transcripts: non-coding transcript variant (1).
Genome position (GRCh38, 1-based): chr20:63,685,855, C>G. VCF-style: chr20-63685855-C-G. GRCh37 (hg19) VCF-style: chr20-62317208-C-G.
Other names: c.1403C>G, p.Thr468Ser (NM_032957.5); c.1403C>G (NM_032957.4); c.662C>G, p.Thr221Ser (NM_001283010.1); c.1331C>G, p.Thr444Ser (NM_016434.4); short protein forms T221S, T444S, T468S.
Identifiers: ClinVar variation 1377906 (VCV001377906.8), dbSNP rs763825991, ClinGen allele CA9964735.
Genomic context (GRCh38, chr20:63,685,855, plus strand): 5'-ACATCCATCCTGATGCTGGTCACCGGAGGACGGCTCAGCGGTCTGATGCCTGGAGCACCA[C>G]TGCAGCCAGAAAGCGAGGTACAGACCTGGGCCCACACGCTCCCCGCCCGCCCGGGTGCAG-3'
Protein context (NP_001269938.1, residues 434-454): TAQRSDAWST[Thr444Ser]AARKRGKVLS

ClinVar aggregate classification (germline): Uncertain significance. Review status: criteria provided, multiple submitters, no conflicts (2 of 4 stars). 2 submissions from 2 submitters: Uncertain significance (2). Last evaluated 2024-08-10.

Conditions:
Dyskeratosis congenita, autosomal recessive 5 (DKCB5). Identifiers: MedGen C3554656, MONDO:0014076, OMIM 615190.
Pulmonary fibrosis and/or bone marrow failure, Telomere-related, 3. Also called: PULMONARY FIBROSIS AND/OR BONE MARROW FAILURE SYNDROME, TELOMERE-RELATED, 3. Identifiers: Orphanet 2032, MedGen C4225346, MONDO:0014613, OMIM 616373.

Allele frequency attached by ClinVar (database versions not stated): TOPMed below 0.00001; gnomAD 0.00001; gnomAD exomes 0.00002; ExAC 0.00004.
gnomAD v4.1: 11 of 1,612,528 alleles (0.00068%); highest among the groups gnomAD compares: South Asian, 0.0022%; no homozygotes.

Submissions (2):

Labcorp Genetics (formerly Invitae), Labcorp
Classification: Uncertain significance for Dyskeratosis congenita, autosomal recessive 5; Pulmonary fibrosis and/or bone marrow failure, Telomere-related, 3. Last evaluated: 2024-08-10. Review status: criteria provided, single submitter. Criteria: Invitae Variant Classification Sherloc (09022015). Collection method: clinical testing. Allele origin: germline.
Comment: This sequence change replaces threonine, which is neutral and polar, with serine, which is neutral and polar, at codon 444 of the RTEL1 protein (p.Thr444Ser). This variant is present in population databases (rs763825991, gnomAD 0.004%). This variant has not been reported in the literature in individuals affected with RTEL1-related conditions. ClinVar contains an entry for this variant (Variation ID: 1377906). An algorithm developed to predict the effect of missense changes on protein structure and function outputs the following: PolyPhen-2: "Benign". The serine amino acid residue is found in multiple mammalian species, which suggests that this missense change does not adversely affect protein function. In summary, the available evidence is currently insufficient to determine the role of this variant in disease. Therefore, it has been classified as a Variant of Uncertain Significance.

GeneDx
Classification: Uncertain significance. Last evaluated: 2023-04-12. Review status: criteria provided, single submitter. Criteria: GeneDx Variant Classification Process June 2021. Collection method: clinical testing. Allele origin: germline. Affected: yes.
Comment: Not observed at significant frequency in large population cohorts (gnomAD); In silico analysis supports that this missense variant does not alter protein structure/function; Has not been previously published as pathogenic or benign to our knowledge